The following is an entry in ClinVar:

ClinVar aggregate classification (germline): Uncertain significance (1 of 4 stars; one submission).

Conditions:
Retinitis pigmentosa 12 (RP12). Also called: RP WITH OR WITHOUT PRESERVED PARAARTERIOLE RETINAL PIGMENT EPITHELIUM; RETINITIS PIGMENTOSA WITH OR WITHOUT PARAARTERIOLAR PRESERVATION OF RETINAL PIGMENT EPITHELIUM; RP WITH OR WITHOUT PPRPE. Identifiers: Orphanet 791, MedGen C1838647, MONDO:0010818, OMIM 600105.
Leber congenital amaurosis 8 (LCA8). Identifiers: Orphanet 65, MedGen C3151202, MONDO:0013453, OMIM 613835.

gnomAD v4.1: 2 of 1,613,918 alleles (0.00012%); highest among the groups gnomAD compares: Non-Finnish European, 0.00017%; no homozygotes.

Submission:

Labcorp Genetics (formerly Invitae), Labcorp
Classification: Uncertain significance for Leber congenital amaurosis 8; Retinitis pigmentosa 12. Last evaluated: 2022-04-20. Review status: criteria provided, single submitter. Criteria: Invitae Variant Classification Sherloc (09022015). Collection method: clinical testing. Allele origin: germline.
Comment: This sequence change replaces glutamine, which is neutral and polar, with histidine, which is basic and polar, at codon 1094 of the CRB1 protein (p.Gln1094His). This variant is present in population databases (rs752719776, gnomAD 0.0009%). This variant has not been reported in the literature in individuals affected with CRB1-related conditions. Advanced modeling of protein sequence and biophysical properties (such as structural, functional, and spatial information, amino acid conservation, physicochemical variation, residue mobility, and thermodynamic stability) performed at Invitae indicates that this missense variant is not expected to disrupt CRB1 protein function. In summary, the available evidence is currently insufficient to determine the role of this variant in disease. Therefore, it has been classified as a Variant of Uncertain Significance.

NM_201253.3(CRB1):c.3282A>C (p.Gln1094His)

Gene: CRB1 (crumbs cell polarity complex component 1; plus strand). Cytogenetic location: 1q31.3.
Variant type: single nucleotide variant.
Coding change: c.3282A>C on transcript NM_201253.3 (MANE Select); coding-DNA position 3282, A replaced by C.
Protein change: p.Gln1094His; replaces glutamine 1094 with histidine.
Molecular consequence: missense variant. On other transcripts: non-coding transcript variant (2), intron variant (1).
Genome position (GRCh38, 1-based): chr1:197,435,145, A>C. VCF-style: chr1-197435145-A-C. GRCh37 (hg19) VCF-style: chr1-197404275-A-C.
Other names: c.2946A>C, p.Gln982His (NM_001193640.2); c.3210A>C, p.Gln1070His (NM_001257965.2); c.2129-455A>C (NM_001257966.2); short protein forms Q982H, Q1070H, Q1094H.
Identifiers: ClinVar variation 2181254 (VCV002181254.1), dbSNP rs752719776, ClinGen allele CA1312310.
Genomic context (GRCh38, chr1:197,435,145, plus strand): 5'-GAAGGATAATACAGATATTTATGTGGGAGACAGAGCTATTGACAATATAAAGGGCCTGCA[A>C]GGGTGTCTAAGTACAATAGAAATCGGAGGCATTTATCTCTCTTACTTTGAAAATGTTCAT-3'
Protein context (NP_957705.1, residues 1084-1104): DRAIDNIKGL[Gln1094His]GCLSTIEIGG